The following is an entry in ClinVar:

ClinVar aggregate classification (germline): Uncertain significance (1 of 4 stars; one submission).

Submission:

GeneDx
Classification: Uncertain significance. Last evaluated: 2026-09-23. Review status: criteria provided, single submitter. Criteria: GeneDx Variant Classification Process June 2021. Collection method: clinical testing. Allele origin: germline.
Comment: Not observed at significant frequency in large population cohorts (gnomAD); In silico analysis supports that this missense variant has a deleterious effect on protein structure/function; Has not been previously published as pathogenic or benign to our knowledge

NM_004815.4(ARHGAP29):c.1837C>G (p.His613Asp)

Gene: ARHGAP29 (Rho GTPase activating protein 29; minus strand). Cytogenetic location: 1p22.1.
Variant type: single nucleotide variant.
Coding change: c.1837C>G on transcript NM_004815.4 (MANE Select); coding-DNA position 1837, C replaced by G.
Protein change: p.His613Asp; replaces histidine 613 with aspartic acid.
Molecular consequence: missense variant.
Genome position (GRCh38, 1-based): chr1:94,185,425, G>C on the plus strand (C>G on the coding strand, the complement: ARHGAP29 is on the minus strand). VCF-style: chr1-94185425-G-C. GRCh37 (hg19) VCF-style: chr1-94650981-G-C.
Other names: c.1837C>G, p.His613Asp (NM_001328664.2); c.1645C>G, p.His549Asp (NM_001328665.2, NM_001328667.2); c.1810C>G, p.His604Asp (NM_001328666.2); short protein forms H549D, H604D, H613D.
Identifiers: ClinVar variation 3603210 (VCV003603210.2).
Genomic context (GRCh38, chr1:94,185,425, plus strand): 5'-ACACTACAATGCCTTCACAATCCCTACATTTCGTGGGGGATCTCAATTTGCGAAACTTGT[G>C]TGTGAGAGCTGCCTTTGACATCAATGTTTTCTTAAATGTTCCAAGGGAATTGGGTCCTTG-3'
Protein context (NP_004806.3, residues 603-623): KTLMSKAALT[His613Asp]KFRKLRSPTK